The following is an entry in ClinVar:

ClinVar aggregate classification (germline): Pathogenic (1 of 4 stars; one submission).

Conditions:
Neurofibromatosis, type 1 (NF1). Also called: VON RECKLINGHAUSEN DISEASE; NEUROFIBROMATOSIS, TYPE I, SOMATIC; Peripheral type neurofibromatosis; Neurofibromatosis, type I. Identifiers: Orphanet 636, MedGen C0027831, MONDO:0018975, OMIM 162200. Disease mechanism: loss of function.

Submission:

Labcorp Genetics (formerly Invitae), Labcorp
Classification: Pathogenic for Neurofibromatosis, type 1. Last evaluated: 2024-06-30. Review status: criteria provided, single submitter. Criteria: Invitae Variant Classification Sherloc (09022015). Collection method: clinical testing. Allele origin: germline.
Comment: This sequence change creates a premature translational stop signal (p.Ser1282Valfs*3) in the NF1 gene. It is expected to result in an absent or disrupted protein product. Loss-of-function variants in NF1 are known to be pathogenic (PMID: 10712197, 23913538). This variant is not present in population databases (gnomAD no frequency). This premature translational stop signal has been observed in individual(s) with NF1-related conditions (PMID: 26740943). For these reasons, this variant has been classified as Pathogenic.

Literature cited by the submitters: PubMed 10712197; PubMed 23913538; PubMed 26740943.

NM_001042492.3(NF1):c.3844del (p.Ser1282fs)

Gene: NF1 (neurofibromin 1; plus strand). Cytogenetic location: 17q11.2.
Variant type: Deletion.
Coding change: c.3844del on transcript NM_001042492.3 (MANE Select); coding-DNA position 3844, one base deleted (A; older notation c.3844delA).
Protein change: p.Ser1282fs; shifts the reading frame from serine 1282.
Molecular consequence: frameshift variant.
Genome position (GRCh38, 1-based): chr17:31,235,746, A deleted. VCF-style (leftmost placement, unchanged base first): chr17-31235745-CA-C. GRCh37 (hg19) VCF-style: chr17-29562763-CA-C.
Other names: c.3844delA, p.Ser1282Valfs (NM_000267.4); short protein forms S1282fs.
Identifiers: ClinVar variation 3722662 (VCV003722662.2).
Genomic context (GRCh38, chr17:31,235,745, plus strand): 5'-TTCTAAAGAAGTAGAATTGGCAGACTCCATGCAGACTCTCTTCCGAGGCAACAGCTTGGC[CA>C]GTAAAATAATGACATTCTGTTTCAAGGTTTGTATCATTCATTTTGTGTGTATGTGTGTGC-3'